The following is an entry in ClinVar:

NM_000170.3(GLDC):c.868G>A (p.Ala290Thr)

Gene: GLDC (glycine decarboxylase; minus strand). Cytogenetic location: 9p24.1.
Variant type: single nucleotide variant.
Coding change: c.868G>A on transcript NM_000170.3 (MANE Select); coding-DNA position 868, G replaced by A.
Protein change: p.Ala290Thr; replaces alanine 290 with threonine.
Molecular consequence: missense variant.
Genome position (GRCh38, 1-based): chr9:6,604,778, C>T on the plus strand (G>A on the coding strand, the complement: GLDC is on the minus strand). VCF-style: chr9-6604778-C-T. GRCh37 (hg19) VCF-style: chr9-6604778-C-T.
Other names: c.868G>A (NM_000170.2); short protein forms A290T.
Identifiers: ClinVar variation 1368863 (VCV001368863.4), dbSNP rs1436719669, ClinGen allele CA372896082.

ClinVar aggregate classification (germline): Uncertain significance. Review status: criteria provided, multiple submitters, no conflicts (2 of 4 stars). 2 submissions from 2 submitters: Uncertain significance (2). Last evaluated 2024-01-08.

Conditions:
Glycine encephalopathy. Also called: Nonketotic hyperglycinemia; Non-ketotic hyperglycinemia. Identifiers: Orphanet 407, MedGen C0751748, MONDO:0011612, HP:0008288.

Allele frequency attached by ClinVar (database versions not stated): gnomAD exomes below 0.00001 and 0.00001; TOPMed 0.00001.
gnomAD v4.1: 3 of 1,613,418 alleles (0.00019%); highest among the groups gnomAD compares: Non-Finnish European, 0.00025%; no homozygotes.

Submissions (2):

GeneDx
Classification: Uncertain significance. Last evaluated: 2024-01-08. Review status: criteria provided, single submitter. Criteria: GeneDx Variant Classification Process June 2021. Collection method: clinical testing. Allele origin: germline. Affected: yes.
Comment: Not observed at significant frequency in large population cohorts (gnomAD); In silico analysis supports that this missense variant does not alter protein structure/function; Has not been previously published as pathogenic or benign to our knowledge

Labcorp Genetics (formerly Invitae), Labcorp
Classification: Uncertain significance for Glycine encephalopathy. Last evaluated: 2022-08-31. Review status: criteria provided, single submitter. Criteria: Invitae Variant Classification Sherloc (09022015). Collection method: clinical testing. Allele origin: germline.
Comment: This sequence change replaces alanine, which is neutral and non-polar, with threonine, which is neutral and polar, at codon 290 of the GLDC protein (p.Ala290Thr). This variant is present in population databases (no rsID available, gnomAD 0.0009%). This variant has not been reported in the literature in individuals affected with GLDC-related conditions. ClinVar contains an entry for this variant (Variation ID: 1368863). Advanced modeling of protein sequence and biophysical properties (such as structural, functional, and spatial information, amino acid conservation, physicochemical variation, residue mobility, and thermodynamic stability) performed at Invitae indicates that this missense variant is not expected to disrupt GLDC protein function. In summary, the available evidence is currently insufficient to determine the role of this variant in disease. Therefore, it has been classified as a Variant of Uncertain Significance.